The following is an entry in ClinVar:

ClinVar aggregate classification (germline): Conflicting classifications of pathogenicity. Review status: criteria provided, conflicting classifications (1 of 4 stars). 2 submissions from 2 submitters: Uncertain significance (1); Likely benign (1). Last evaluated 2023-03-23.

Conditions:
Hereditary cancer-predisposing syndrome. Also called: Neoplastic Syndromes, Hereditary; Hereditary Cancer Syndrome; Tumor predisposition; Hereditary neoplastic syndrome. Identifiers: Orphanet 140162, MedGen C0027672, MeSH D009386, MONDO:0015356.

gnomAD v4.1: 1 of 1,613,520 alleles (0.000062%); highest among the groups gnomAD compares: South Asian, 0.0011%; no homozygotes.

Submissions (2):

University of Washington Department of Laboratory Medicine, University of Washington
Classification: Likely benign for Hereditary cancer-predisposing syndrome. Last evaluated: 2023-03-23. Review status: criteria provided, single submitter. Criteria: Dines et al. (Genet Med. 2020). Collection method: curation. Allele origin: germline.
Comment: Missense variant in a coldspot region where missense variants are very unlikely to be pathogenic (PMID:31911673).

BRCA2 exon 11 coldspot. Reclassification based on statistical prior probability.

Quest Diagnostics Nichols Institute San Juan Capistrano
Classification: Uncertain significance. Last evaluated: 2019-12-27. Review status: criteria provided, single submitter. Criteria: Quest Diagnostics criteria. Collection method: clinical testing. Allele origin: unknown.

NM_000059.4(BRCA2):c.5836T>A (p.Ser1946Thr)

Gene: BRCA2 (BRCA2 DNA repair associated; plus strand). Cytogenetic location: 13q13.1.
Variant type: single nucleotide variant.
Coding change: c.5836T>A on transcript NM_000059.4 (MANE Select); coding-DNA position 5836, T replaced by A.
Protein change: p.Ser1946Thr; replaces serine 1946 with threonine.
Molecular consequence: missense variant.
Genome position (GRCh38, 1-based): chr13:32,340,191, T>A. VCF-style: chr13-32340191-T-A. GRCh37 (hg19) VCF-style: chr13-32914328-T-A.
Other names: short protein forms S1946T.
Identifiers: ClinVar variation 993051 (VCV000993051.3), dbSNP rs80358811, ClinGen allele CA387787343.
Genomic context (GRCh38, chr13:32,340,191, plus strand): 5'-AGTGAAGAAATTTTACAACATAACCAAAATATGTCTGGATTGGAGAAAGTTTCTAAAATA[T>A]CACCTTGTGATGTTAGTTTGGAAACTTCAGATATATGTAAATGTAGTATAGGGAAGCTTC-3'
Protein context (NP_000050.3, residues 1936-1956): MSGLEKVSKI[Ser1946Thr]PCDVSLETSD